The following is an entry in ClinVar:

ClinVar aggregate classification (germline): Likely pathogenic. Review status: criteria provided, multiple submitters, no conflicts (2 of 4 stars). 2 submissions from 2 submitters: Likely pathogenic (2). Last evaluated 2025-02-04.

Conditions:
Autosomal recessive inherited pseudoxanthoma elasticum (PXE). Identifiers: Orphanet 758, MedGen CN032334, MONDO:0009925, OMIM 264800.

gnomAD v4.1: 52 of 1,613,876 alleles (0.0032%); highest among the groups gnomAD compares: South Asian, 0.048%; 1 homozygote.

Submissions (2):

Labcorp Genetics (formerly Invitae), Labcorp
Classification: Likely pathogenic. Last evaluated: 2025-02-04. Review status: criteria provided, single submitter. Criteria: Invitae Variant Classification Sherloc (09022015). Collection method: clinical testing. Allele origin: germline.
Comment: This sequence change replaces arginine, which is basic and polar, with serine, which is neutral and polar, at codon 1414 of the ABCC6 protein (p.Arg1414Ser). This variant is present in population databases (rs760611511, gnomAD 0.03%). This variant has not been reported in the literature in individuals affected with ABCC6-related conditions. Invitae Evidence Modeling of protein sequence and biophysical properties (such as structural, functional, and spatial information, amino acid conservation, physicochemical variation, residue mobility, and thermodynamic stability) indicates that this missense variant is expected to disrupt ABCC6 protein function with a positive predictive value of 95%. This variant disrupts the p.Arg1414 amino acid residue in ABCC6. Other variant(s) that disrupt this residue have been determined to be pathogenic (internal data). This suggests that this residue is clinically significant, and that variants that disrupt this residue are likely to be disease-causing. In summary, the currently available evidence indicates that the variant is pathogenic, but additional data are needed to prove that conclusively. Therefore, this variant has been classified as Likely Pathogenic.

Kariminejad - Najmabadi Pathology & Genetics Center
Classification: Likely pathogenic for Autosomal recessive inherited pseudoxanthoma elasticum. Review status: criteria provided, single submitter. Criteria: ACMG Guidelines, 2015. Collection method: clinical testing. Allele origin: germline. Affected: no.

NM_001171.6(ABCC6):c.4240C>A (p.Arg1414Ser)

Gene: ABCC6 (ATP binding cassette subfamily C member 6; minus strand). Cytogenetic location: 16p13.11.
Variant type: single nucleotide variant.
Coding change: c.4240C>A on transcript NM_001171.6 (MANE Select); coding-DNA position 4240, C replaced by A.
Protein change: p.Arg1414Ser; replaces arginine 1414 with serine.
Molecular consequence: missense variant. On other transcripts: non-coding transcript variant (1).
Genome position (GRCh38, 1-based): chr16:16,150,741, G>T on the plus strand (C>A on the coding strand, the complement: ABCC6 is on the minus strand). VCF-style: chr16-16150741-G-T. GRCh37 (hg19) VCF-style: chr16-16244598-G-T.
Other names: c.3898C>A, p.Arg1300Ser (NM_001351800.1); short protein forms R1300S, R1414S.
Identifiers: ClinVar variation 3616170 (VCV003616170.3).